The following is an entry in ClinVar:

ClinVar aggregate classification (germline): Benign. Review status: criteria provided, multiple submitters, no conflicts (2 of 4 stars). 5 submissions from 5 submitters: Benign (5). Last evaluated 2026-02-04.

Conditions:
Autosomal dominant nonsyndromic hearing loss 70. Also called: Deafness, autosomal dominant 70. Identifiers: Orphanet 90635, MedGen C4310775, MONDO:0014853, OMIM 616968.

Allele frequency attached by ClinVar (database versions not stated): 1000 Genomes Project 30x 0.59041; 1000 Genomes Project 0.59605; TOPMed 0.66149; gnomAD 0.67433 and 0.67673; ESP Exome Variant Server 0.67700; gnomAD exomes 0.68455 and 0.73411; ExAC 0.68464.
gnomAD v4.1: 1,174,692 of 1,613,788 alleles (73%); highest among the groups gnomAD compares: Non-Finnish European, 76%; 431,880 homozygotes.

Submissions (5):

Labcorp Genetics (formerly Invitae), Labcorp
Classification: Benign. Last evaluated: 2026-02-04. Review status: criteria provided, single submitter. Criteria: Invitae Variant Classification Sherloc (09022015). Collection method: clinical testing. Allele origin: germline.

Genome-Nilou Lab
Classification: Benign for Autosomal dominant nonsyndromic hearing loss 70. Last evaluated: 2021-09-05. Review status: criteria provided, single submitter. Criteria: ACMG Guidelines, 2015. Collection method: clinical testing. Allele origin: germline. Affected: no.

Mayo Clinic Laboratories, Mayo Clinic
Classification: Benign. Last evaluated: 2020-08-13. Review status: criteria provided, single submitter. Criteria: ACMG Guidelines, 2015. Collection method: clinical testing. Allele origin: germline. Observed: 141 variant alleles.

GeneDx
Classification: Benign. Last evaluated: 2017-05-09. Review status: criteria provided, single submitter. Criteria: GeneDx Variant Classification (06012015). Collection method: clinical testing. Allele origin: germline. Affected: yes.
Comment: This variant is considered likely benign or benign based on one or more of the following criteria: it is a conservative change, it occurs at a poorly conserved position in the protein, it is predicted to be benign by multiple in silico algorithms, and/or has population frequency not consistent with disease.

Breakthrough Genomics
Classification: Benign. Review status: criteria provided, single submitter. Criteria: ACMG Guidelines, 2015. Collection method: not provided. Allele origin: germline. Inheritance: Autosomal dominant inheritance. Affected: yes.

NM_004526.4(MCM2):c.504C>T (p.Ile168=)

Gene: MCM2 (minichromosome maintenance complex component 2; plus strand). Cytogenetic location: 3q21.3.
Variant type: single nucleotide variant.
Coding change: c.504C>T on transcript NM_004526.4 (MANE Select); coding-DNA position 504, C replaced by T.
Protein change: p.Ile168=; no amino-acid change (isoleucine 168 retained).
Molecular consequence: synonymous variant. On other transcripts: non-coding transcript variant (1).
Genome position (GRCh38, 1-based): chr3:127,604,987, C>T. VCF-style: chr3-127604987-C-T. GRCh37 (hg19) VCF-style: chr3-127323830-C-T.
Other names: p.Ile168=.
Identifiers: ClinVar variation 508098 (VCV000508098.13), dbSNP rs893293, ClinGen allele CA2595612.
Genomic context (GRCh38, chr3:127,604,987, plus strand): 5'-CCGCAAGCGCCGCCAGGTGGAGCGGGCCACGGAGGACGGCGAGGAGGACGAGGAGATGAT[C>T]GAGAGCATCGAGAACCTGGAGGATCTCAAAGGCCACTCTGTGCGCGAGTGGGTGAGCATG-3'
Protein context (NP_004517.2, residues 158-178): TEDGEEDEEM[Ile168=]ESIENLEDLK